The following is an entry in ClinVar:

NM_000338.3(SLC12A1):c.513A>C (p.Gln171His)

Gene: SLC12A1 (solute carrier family 12 member 1; plus strand). Cytogenetic location: 15q21.1.
Variant type: single nucleotide variant.
Coding change: c.513A>C on transcript NM_000338.3 (MANE Select); coding-DNA position 513, A replaced by C.
Protein change: p.Gln171His; replaces glutamine 171 with histidine.
Molecular consequence: missense variant.
Genome position (GRCh38, 1-based): chr15:48,220,726, A>C. VCF-style: chr15-48220726-A-C. GRCh37 (hg19) VCF-style: chr15-48512923-A-C.
Other names: c.513A>C, p.Gln171His (NM_001184832.2, NM_001384136.1); short protein forms Q171H.
Identifiers: ClinVar variation 994769 (VCV000994769.7), dbSNP rs942607677, ClinGen allele CA269454698.

ClinVar aggregate classification (germline): Uncertain significance. Review status: criteria provided, multiple submitters, no conflicts (2 of 4 stars). 4 submissions from 4 submitters: Uncertain significance (4). Last evaluated 2024-03-19.

Conditions:
Bartter disease type 1. Also called: HYPERPROSTAGLANDIN E SYNDROME 1; Bartter syndrome, type 1, antenatal; Bartter Syndrome type 1; HYPOKALEMIC ALKALOSIS WITH HYPERCALCIURIA 1, ANTENATAL. Identifiers: Orphanet 112, Orphanet 620217, MedGen C1866495, MONDO:0100344, OMIM 601678, MONDO:0011127.
Inborn genetic diseases. Identifiers: MedGen C0950123, MeSH D030342.

Allele frequency attached by ClinVar (database versions not stated): gnomAD exomes 0.00001; gnomAD 0.00003; TOPMed 0.00014.
gnomAD v4.1: 9 of 1,613,830 alleles (0.00056%); highest among the groups gnomAD compares: Admixed American, 0.012%; no homozygotes.

Submissions (4):

Fulgent Genetics
Classification: Uncertain significance for Bartter disease type 1. Last evaluated: 2024-03-19. Review status: criteria provided, single submitter. Criteria: ACMG Guidelines, 2015. Collection method: clinical testing. Allele origin: germline.

Ambry Genetics
Classification: Uncertain significance for Inborn genetic diseases. Last evaluated: 2023-04-11. Review status: criteria provided, single submitter. Criteria: Ambry Variant Classification Scheme 2023. Collection method: clinical testing. Allele origin: germline.

Labcorp Genetics (formerly Invitae), Labcorp
Classification: Uncertain significance. Last evaluated: 2022-04-04. Review status: criteria provided, single submitter. Criteria: Invitae Variant Classification Sherloc (09022015). Collection method: clinical testing. Allele origin: germline.
Comment: This sequence change replaces glutamine, which is neutral and polar, with histidine, which is basic and polar, at codon 171 of the SLC12A1 protein (p.Gln171His). This variant is not present in population databases (gnomAD no frequency). This variant has not been reported in the literature in individuals affected with SLC12A1-related conditions. ClinVar contains an entry for this variant (Variation ID: 994769). Algorithms developed to predict the effect of missense changes on protein structure and function (SIFT, PolyPhen-2, Align-GVGD) all suggest that this variant is likely to be tolerated. In summary, the available evidence is currently insufficient to determine the role of this variant in disease. Therefore, it has been classified as a Variant of Uncertain Significance.

Athena Diagnostics
Classification: Uncertain significance. Last evaluated: 2020-09-01. Review status: criteria provided, single submitter. Criteria: Athena Diagnostics criteria. Collection method: clinical testing. Allele origin: unknown.